The following is an entry in ClinVar:

ClinVar aggregate classification (germline): Pathogenic (1 of 4 stars; one submission).

Conditions:
Inborn genetic diseases. Identifiers: MedGen C0950123, MeSH D030342.

Submissions (2):

Ambry Genetics
Classification: Pathogenic for Inborn genetic diseases. Last evaluated: 2015-04-17. Review status: criteria provided, single submitter. Criteria: Ambry exome assertion method (8-5-2015). Collection method: clinical testing. Allele origin: germline. Affected: yes. Observed: 1 variant allele.

Channelopathy-Associated Epilepsy Research Center
No classification provided (evidence only). Condition: Complex neurodevelopmental disorder. Review status: no classification provided. Collection method: literature only. Allele origin: not applicable. Functional consequence: Acceleration of recovery from fast inactivation, Normal peak current, Moderate depolarizing shift of voltage dependence of activation, Normal slope of activation, Severe depolarizing shift of voltage dependence of fast inactivation, Increase in slope of fast inactivation, Severe slowing of fast inactivation, Increase in persistent current, Overall mixed or unclear functional effect not able to be clearly categorized as Gain- or Loss-of-Function. Not counted in ClinVar's aggregate classification.
ClinVar note: "not provided" was previously submitted as the classification for the variant. However, the classification appeared to be based only on an observation of functional data so it was converted to no classification on 2025-07-30.

Literature cited by the submitters: PubMed 30615093 (cited by Channelopathy-Associated Epilepsy Research Center).

NM_001330260.2(SCN8A):c.4865C>A (p.Ala1622Asp)

Gene: SCN8A (sodium voltage-gated channel alpha subunit 8; plus strand). Cytogenetic location: 12q13.13.
Variant type: single nucleotide variant.
Coding change: c.4865C>A on transcript NM_001330260.2 (MANE Select); coding-DNA position 4865, C replaced by A.
Protein change: p.Ala1622Asp; replaces alanine 1622 with aspartic acid.
Molecular consequence: missense variant.
Genome position (GRCh38, 1-based): chr12:51,806,351, C>A. VCF-style: chr12-51806351-C-A. GRCh37 (hg19) VCF-style: chr12-52200135-C-A.
Other names: c.4742C>A, p.Ala1581Asp (NM_001177984.3, NM_001369788.1); c.4865C>A, p.Ala1622Asp (NM_014191.4); c.4865C>A (NM_014191.3); short protein forms A1622D, A1581D.
Identifiers: ClinVar variation 520653 (VCV000520653.6), dbSNP rs1555230924, ClinGen allele CA384880402.
Genomic context (GRCh38, chr12:51,806,351, plus strand): 5'-TGGCAGATATAATTGAGAAATACTTTGTTTCCCCAACCCTATTCCGAGTCATCCGATTGG[C>A]CCGTATTGGGCGCATCTTGCGTCTGATCAAAGGCGCCAAAGGGATTCGTACCCTGCTCTT-3'
Protein context (NP_001317189.1, residues 1612-1632): SPTLFRVIRL[Ala1622Asp]RIGRILRLIK